The following is an entry in ClinVar:

NM_005184.4(CALM3):c.421+6T>G

Gene: CALM3 (calmodulin 3; plus strand). Cytogenetic location: 19q13.32.
Variant type: single nucleotide variant.
Coding change: c.421+6T>G on transcript NM_005184.4 (MANE Select); 6 bases into the intron after coding-DNA position 421, T replaced by G.
Molecular consequence: intron variant.
Genome position (GRCh38, 1-based): chr19:46,608,987, T>G. VCF-style: chr19-46608987-T-G. GRCh37 (hg19) VCF-style: chr19-47112244-T-G.
Other names: c.313+6T>G (NM_001329921.1, NM_001329924.2, NM_001329926.2 and 2 more transcripts); c.421+6T>G (NM_001329922.1).
Identifiers: ClinVar variation 2147059 (VCV002147059.5), dbSNP rs770764196, ClinGen allele CA9529834.

ClinVar aggregate classification (germline): Uncertain significance (1 of 4 stars; one submission).

Conditions:
Long QT syndrome 1 (LQT1). Identifiers: Orphanet 101016, Orphanet 768, MedGen C4551647, MONDO:0100316, OMIM 192500, MONDO:0008646.

Allele frequency attached by ClinVar (database versions not stated): ExAC 0.00001; gnomAD 0.00001; gnomAD exomes 0.00001; TOPMed 0.00001.

Submissions (2):

Labcorp Genetics (formerly Invitae), Labcorp
Classification: Uncertain significance for Long QT syndrome 1. Last evaluated: 2025-12-02. Review status: criteria provided, single submitter. Criteria: Invitae Variant Classification Sherloc (09022015). Collection method: clinical testing. Allele origin: germline.
Comment: This sequence change falls in intron 5 of the CALM3 gene. It does not directly change the encoded amino acid sequence of the CALM3 protein. It affects a nucleotide within the consensus splice site. This variant is present in population databases (rs770764196, gnomAD 0.0009%). This variant has not been reported in the literature in individuals affected with CALM3-related conditions. ClinVar contains an entry for this variant (Variation ID: 2147059). Variants that disrupt the consensus splice site are a relatively common cause of aberrant splicing (PMID: 17576681, 9536098). Algorithms developed to predict the effect of sequence changes on RNA splicing suggest that this variant is not likely to affect RNA splicing. In summary, the available evidence is currently insufficient to determine the role of this variant in disease. Therefore, it has been classified as a Variant of Uncertain Significance.

Dr. Peter K. Rogan Lab, Western University
No classification provided (evidence only). Condition: Cervical cancer. Review status: no classification provided. Collection method: in vitro. Allele origin: not applicable. Functional consequence: retained intron. Not counted in ClinVar's aggregate classification.

Literature cited by the submitters: PubMed 17576681 (cited by Labcorp Genetics (formerly Invitae), Labcorp); PubMed 9536098 (cited by Labcorp Genetics (formerly Invitae), Labcorp).